The following is an entry in ClinVar:

NM_000428.3(LTBP2):c.5055C>T (p.Thr1685=)

Gene: LTBP2 (latent transforming growth factor beta binding protein 2; minus strand). Cytogenetic location: 14q24.3.
Variant type: single nucleotide variant.
Coding change: c.5055C>T on transcript NM_000428.3 (MANE Select); coding-DNA position 5055, C replaced by T.
Protein change: p.Thr1685=; no amino-acid change (threonine 1685 retained).
Molecular consequence: synonymous variant.
Genome position (GRCh38, 1-based): chr14:74,502,768, G>A on the plus strand (C>T on the coding strand, the complement: LTBP2 is on the minus strand). VCF-style: chr14-74502768-G-A. GRCh37 (hg19) VCF-style: chr14-74969471-G-A.
Identifiers: ClinVar variation 884539 (VCV000884539.36), dbSNP rs764652187, ClinGen allele CA7268544.

ClinVar aggregate classification (germline): Conflicting classifications of pathogenicity. Review status: criteria provided, conflicting classifications (1 of 4 stars). 5 submissions from 4 submitters: Uncertain significance (2); Likely benign (3). Last evaluated 2024-11-01.

Conditions:
Glaucoma 3, primary congenital, D. Identifiers: Orphanet 98976, MedGen C2751316, MONDO:0013122, OMIM 613086.
Weill-Marchesani syndrome. Also called: WM Syndrome; Mesodermal dysmorphodystrophy congenital. Identifiers: Orphanet 3449, MedGen C0265313, MONDO:0018096.

Allele frequency attached by ClinVar (database versions not stated): TOPMed below 0.00001; gnomAD exomes 0.00003; ExAC 0.00004.
gnomAD v4.1: 32 of 1,614,172 alleles (0.002%); highest among the groups gnomAD compares: Middle Eastern, 0.016%; no homozygotes.

Submissions (5):

Blueprint Genetics
Classification: Likely benign. Last evaluated: 2024-11-01. Review status: criteria provided, single submitter. Criteria: ACMG Guidelines, 2015. Collection method: clinical testing. Allele origin: germline.

CeGaT Center for Human Genetics Tuebingen
Classification: Likely benign. Last evaluated: 2023-04-01. Review status: criteria provided, single submitter. Criteria: CeGaT Center For Human Genetics Tuebingen Variant Classification Criteria Version 2. Collection method: clinical testing. Allele origin: germline. Affected: yes. Observed: 1 variant allele.
Comment: LTBP2: BP4, BP7

Labcorp Genetics (formerly Invitae), Labcorp
Classification: Likely benign. Last evaluated: 2021-09-17. Review status: criteria provided, single submitter. Criteria: Invitae Variant Classification Sherloc (09022015). Collection method: clinical testing. Allele origin: germline.

Illumina Laboratory Services, Illumina
Classification: Uncertain significance for Glaucoma 3, primary congenital, D. Last evaluated: 2018-01-13. Review status: criteria provided, single submitter. Criteria: ICSL Variant Classification Criteria 13 December 2019. Collection method: clinical testing. Allele origin: germline.

Illumina Laboratory Services, Illumina
Classification: Uncertain significance for Weill-Marchesani syndrome. Last evaluated: 2018-01-13. Review status: criteria provided, single submitter. Criteria: ICSL Variant Classification Criteria 13 December 2019. Collection method: clinical testing. Allele origin: germline.